The following is an entry in ClinVar:

NM_004519.4(KCNQ3):c.2237C>A (p.Thr746Lys)

Gene: KCNQ3 (potassium voltage-gated channel subfamily Q member 3; minus strand). Cytogenetic location: 8q24.22.
Variant type: single nucleotide variant.
Coding change: c.2237C>A on transcript NM_004519.4 (MANE Select); coding-DNA position 2237, C replaced by A.
Protein change: p.Thr746Lys; replaces threonine 746 with lysine.
Molecular consequence: missense variant.
Genome position (GRCh38, 1-based): chr8:132,129,644, G>T on the plus strand (C>A on the coding strand, the complement: KCNQ3 is on the minus strand). VCF-style: chr8-132129644-G-T. GRCh37 (hg19) VCF-style: chr8-133141891-G-T.
Other names: c.1877C>A, p.Thr626Lys (NM_001204824.2); short protein forms T626K, T746K.
Identifiers: ClinVar variation 4802763 (VCV004802763.1).

ClinVar aggregate classification (germline): Uncertain significance (1 of 4 stars; one submission).

Conditions:
Benign neonatal seizures. Also called: Benign familial neonatal seizures; Benign familial neonatal epilepsy; Convulsions benign familial neonatal dominant form; Autosomal dominant form of benign neonatal seizures; Benign neonatal familial convulsions. Identifiers: Orphanet 1949, MedGen C0220669, MONDO:0016027.

Submission:

Labcorp Genetics (formerly Invitae), Labcorp
Classification: Uncertain significance for Benign neonatal seizures. Last evaluated: 2025-05-14. Review status: criteria provided, single submitter. Criteria: Invitae Variant Classification Sherloc (09022015). Collection method: clinical testing. Allele origin: germline.
Comment: This sequence change replaces threonine, which is neutral and polar, with lysine, which is basic and polar, at codon 746 of the KCNQ3 protein (p.Thr746Lys). This variant is not present in population databases (gnomAD no frequency). This variant has not been reported in the literature in individuals affected with KCNQ3-related conditions. Invitae Evidence Modeling of protein sequence and biophysical properties (such as structural, functional, and spatial information, amino acid conservation, physicochemical variation, residue mobility, and thermodynamic stability) indicates that this missense variant is not expected to disrupt KCNQ3 protein function with a negative predictive value of 95%. In summary, the available evidence is currently insufficient to determine the role of this variant in disease. Therefore, it has been classified as a Variant of Uncertain Significance.